The following is an entry in ClinVar:

ClinVar aggregate classification (germline): Uncertain significance (1 of 4 stars; one submission).

Allele frequency attached by ClinVar (database versions not stated): gnomAD exomes below 0.00001.
gnomAD v4.1: 6 of 1,610,726 alleles (0.00037%); highest among the groups gnomAD compares: Non-Finnish European, 0.00042%; no homozygotes.

Submission:

Labcorp Genetics (formerly Invitae), Labcorp
Classification: Uncertain significance. Last evaluated: 2020-08-26. Review status: criteria provided, single submitter. Criteria: Invitae Variant Classification Sherloc (09022015). Collection method: clinical testing. Allele origin: germline.
Comment: In summary, the available evidence is currently insufficient to determine the role of this variant in disease. Therefore, it has been classified as a Variant of Uncertain Significance. Algorithms developed to predict the effect of missense changes on protein structure and function output the following: SIFT: "Deleterious"; PolyPhen-2: "Benign"; Align-GVGD: "Class C0". The arginine amino acid residue is found in multiple mammalian species, suggesting that this missense change does not adversely affect protein function. These predictions have not been confirmed by published functional studies and their clinical significance is uncertain. This variant has not been reported in the literature in individuals with LRIT3-related conditions. This variant is not present in population databases (ExAC no frequency). This sequence change replaces serine with arginine at codon 670 of the LRIT3 protein (p.Ser670Arg). The serine residue is moderately conserved and there is a moderate physicochemical difference between serine and arginine.

NM_198506.5(LRIT3):c.2010T>G (p.Ser670Arg)

Gene: LRIT3 (leucine rich repeat, Ig-like and transmembrane domains 3; plus strand). Cytogenetic location: 4q25.
Variant type: single nucleotide variant.
Coding change: c.2010T>G on transcript NM_198506.5 (MANE Select); coding-DNA position 2010, T replaced by G.
Protein change: p.Ser670Arg; replaces serine 670 with arginine.
Molecular consequence: missense variant.
Genome position (GRCh38, 1-based): chr4:109,870,759, T>G. VCF-style: chr4-109870759-T-G. GRCh37 (hg19) VCF-style: chr4-110791915-T-G.
Other names: short protein forms S670R.
Identifiers: ClinVar variation 1021497 (VCV001021497.4), dbSNP rs1183995313, ClinGen allele CA357873362.